The following is an entry in ClinVar:

ClinVar aggregate classification (germline): Uncertain significance (1 of 4 stars; one submission).

Submission:

Labcorp Genetics (formerly Invitae), Labcorp
Classification: Uncertain significance. Last evaluated: 2024-10-22. Review status: criteria provided, single submitter. Criteria: Invitae Variant Classification Sherloc (09022015). Collection method: clinical testing. Allele origin: germline.
Comment: This sequence change replaces lysine, which is basic and polar, with threonine, which is neutral and polar, at codon 90 of the EEF2 protein (p.Lys90Thr). This variant is not present in population databases (gnomAD no frequency). This variant has not been reported in the literature in individuals affected with EEF2-related conditions. An algorithm developed to predict the effect of missense changes on protein structure and function (PolyPhen-2) suggests that this variant is likely to be disruptive. In summary, the available evidence is currently insufficient to determine the role of this variant in disease. Therefore, it has been classified as a Variant of Uncertain Significance.

NM_001961.4(EEF2):c.269A>C (p.Lys90Thr)

Gene: EEF2 (eukaryotic translation elongation factor 2; minus strand). Cytogenetic location: 19p13.3.
Variant type: single nucleotide variant.
Coding change: c.269A>C on transcript NM_001961.4 (MANE Select); coding-DNA position 269, A replaced by C.
Protein change: p.Lys90Thr; replaces lysine 90 with threonine.
Molecular consequence: missense variant.
Genome position (GRCh38, 1-based): chr19:3,983,241, T>G on the plus strand (A>C on the coding strand, the complement: EEF2 is on the minus strand). VCF-style: chr19-3983241-T-G. GRCh37 (hg19) VCF-style: chr19-3983239-T-G.
Other names: short protein forms K90T.
Identifiers: ClinVar variation 2845691 (VCV002845691.3), dbSNP rs2512206995, ClinGen allele CA403395283.